The following is an entry in ClinVar:

ClinVar aggregate classification (germline): Likely benign (1 of 4 stars; one submission).

Conditions:
Nephronophthisis 7 (NPHP7). Identifiers: Orphanet 655, MedGen C1969092, MONDO:0012680, OMIM 611498.

Allele frequency attached by ClinVar (database versions not stated): gnomAD exomes 0.00043; 1000 Genomes Project 30x 0.00281; 1000 Genomes Project 0.00300; gnomAD 0.00345 and 0.00375; TOPMed 0.00403.
gnomAD v4.1: 614 of 358,880 alleles (0.17%); highest among the groups gnomAD compares: African/African-American, 1.2%; 5 homozygotes.

Submission:

Illumina Laboratory Services, Illumina
Classification: Likely benign for Nephronophthisis 7. Last evaluated: 2018-01-13. Review status: criteria provided, single submitter. Criteria: ICSL Variant Classification Criteria 13 December 2019. Collection method: clinical testing. Allele origin: germline.
Comment: This variant was observed in the ICSL laboratory as part of a predisposition screen in an ostensibly healthy population. It had not been previously curated by ICSL or reported in the Human Gene Mutation Database (HGMD: prior to June 1st, 2018), and was therefore a candidate for classification through an automated scoring system. Utilizing variant allele frequency, disease prevalence and penetrance estimates, and inheritance mode, an automated score was calculated to assess if this variant is too frequent to cause the disease. Based on the score and internal cut-off values, a variant classified as likely benign is not then subjected to further curation. The score for this variant resulted in a classification of likely benign for this disease.

NM_032575.3(GLIS2):c.*399T>G

Gene: GLIS2 (GLIS family zinc finger 2; plus strand). Cytogenetic location: 16p13.3.
Variant type: single nucleotide variant.
Coding change: c.*399T>G on transcript NM_032575.3 (MANE Select); 399 bases downstream of the stop codon, T replaced by G.
Molecular consequence: 3 prime UTR variant.
Genome position (GRCh38, 1-based): chr16:4,337,923, T>G. VCF-style: chr16-4337923-T-G. GRCh37 (hg19) VCF-style: chr16-4387924-T-G.
Other names: c.*399T>G (NM_001318918.2).
Identifiers: ClinVar variation 319236 (VCV000319236.5), dbSNP rs189481658, ClinGen allele CA10648383.
Genomic context (GRCh38, chr16:4,337,923, plus strand): 5'-ACCCATGGCAAGTTGCCCTCTCCCAGCAGAGGGGGTGGGTGGGGTGGCATCTGCCCTCCC[T>G]GCTAGCACCAGGCTCCCCCTTCCTGAGAGGAGCCCCCAGGGACCAGAGGCCTGCCCTTCC-3'